The following is an entry in ClinVar:

NM_006907.4(PYCR1):c.788T>C (p.Ile263Thr)

Gene: PYCR1 (pyrroline-5-carboxylate reductase 1; minus strand). Cytogenetic location: 17q25.3.
Variant type: single nucleotide variant.
Coding change: c.788T>C on transcript NM_006907.4 (MANE Select); coding-DNA position 788, T replaced by C.
Protein change: p.Ile263Thr; replaces isoleucine 263 with threonine.
Molecular consequence: missense variant. On other transcripts: intron variant (1).
Genome position (GRCh38, 1-based): chr17:81,934,335, A>G on the plus strand (T>C on the coding strand, the complement: PYCR1 is on the minus strand). VCF-style: chr17-81934335-A-G. GRCh37 (hg19) VCF-style: chr17-79892211-A-G.
Other names: c.695T>C, p.Ile232Thr (NM_001282279.2); c.788T>C, p.Ile263Thr (NM_001282280.2, NM_153824.3); c.869T>C, p.Ile290Thr (NM_001282281.2); c.633+318T>C (NM_001330523.2); short protein forms I263T, I232T, I290T.
Identifiers: ClinVar variation 1946727 (VCV001946727.5), dbSNP rs2041094637, ClinGen allele CA401536889.

ClinVar aggregate classification (germline): Uncertain significance (1 of 4 stars; one submission).

Allele frequency attached by ClinVar (database versions not stated): gnomAD exomes below 0.00001; gnomAD 0.00001.

Submission:

Labcorp Genetics (formerly Invitae), Labcorp
Classification: Uncertain significance. Last evaluated: 2022-08-20. Review status: criteria provided, single submitter. Criteria: Invitae Variant Classification Sherloc (09022015). Collection method: clinical testing. Allele origin: germline.
Comment: In summary, the available evidence is currently insufficient to determine the role of this variant in disease. Therefore, it has been classified as a Variant of Uncertain Significance. Algorithms developed to predict the effect of missense changes on protein structure and function output the following: SIFT: "Tolerated"; PolyPhen-2: "Benign"; Align-GVGD: "Class C0". The threonine amino acid residue is found in multiple mammalian species, which suggests that this missense change does not adversely affect protein function. This variant has not been reported in the literature in individuals affected with PYCR1-related conditions. This variant is not present in population databases (gnomAD no frequency). This sequence change replaces isoleucine, which is neutral and non-polar, with threonine, which is neutral and polar, at codon 263 of the PYCR1 protein (p.Ile263Thr).